The following is an entry in ClinVar:

ClinVar aggregate classification (germline): Likely benign (0 of 4 stars; one submission).

Conditions:
OTOG-related disorder. Also called: OTOG-related condition.

Allele frequency attached by ClinVar (database versions not stated): gnomAD 0.00003; gnomAD exomes 0.00006.

Submission:

PreventionGenetics, part of Exact Sciences
Classification: Likely benign for OTOG-related condition. Last evaluated: 2019-04-23. Review status: no assertion criteria provided. Collection method: clinical testing. Allele origin: germline.
Comment: This variant is classified as likely benign based on ACMG/AMP sequence variant interpretation guidelines (Richards et al. 2015 PMID: 25741868, with internal and published modifications).

NM_001292063.2(OTOG):c.7917G>A (p.Pro2639=)

Gene: OTOG (otogelin; plus strand). Cytogenetic location: 11p15.1.
Variant type: single nucleotide variant.
Coding change: c.7917G>A on transcript NM_001292063.2 (MANE Select); coding-DNA position 7917, G replaced by A.
Protein change: p.Pro2639=; no amino-acid change (proline 2639 retained).
Molecular consequence: synonymous variant.
Genome position (GRCh38, 1-based): chr11:17,639,445, G>A. VCF-style: chr11-17639445-G-A. GRCh37 (hg19) VCF-style: chr11-17660992-G-A.
Other names: c.7953G>A, p.Pro2651= (NM_001277269.2).
Identifiers: ClinVar variation 3050902 (VCV003050902.2), dbSNP rs1031767963, ClinGen allele CA218455117.